The following is an entry in ClinVar:

NM_000059.4(BRCA2):c.3521G>A (p.Gly1174Asp)

Gene: BRCA2 (BRCA2 DNA repair associated; plus strand). Cytogenetic location: 13q13.1.
Variant type: single nucleotide variant.
Coding change: c.3521G>A on transcript NM_000059.4 (MANE Select); coding-DNA position 3521, G replaced by A.
Protein change: p.Gly1174Asp; replaces glycine 1174 with aspartic acid.
Molecular consequence: missense variant.
Genome position (GRCh38, 1-based): chr13:32,337,876, G>A. VCF-style: chr13-32337876-G-A. GRCh37 (hg19) VCF-style: chr13-32912013-G-A.
Other names: short protein forms G1174D.
Identifiers: ClinVar variation 479317 (VCV000479317.18), dbSNP rs1555283272, ClinGen allele CA387777051.

ClinVar aggregate classification (germline): Conflicting classifications of pathogenicity. Review status: criteria provided, conflicting classifications (1 of 4 stars). 5 submissions from 5 submitters: Uncertain significance (2); Likely benign (3). Last evaluated 2026-04-16.

Conditions:
Inherited ovarian cancer (without breast cancer).
Hereditary cancer-predisposing syndrome. Also called: Neoplastic Syndromes, Hereditary; Hereditary neoplastic syndrome; Tumor predisposition; Hereditary Cancer Syndrome. Identifiers: Orphanet 140162, MedGen C0027672, MeSH D009386, MONDO:0015356.
Hereditary breast ovarian cancer syndrome. Also called: Hereditary breast and/or ovarian cancer syndrome; Hereditary breast and ovarian cancer syndrome (HBOC); BRCA1- and BRCA2-Associated Hereditary Breast and Ovarian Cancer; Hereditary breast and ovarian cancer; Breast and ovarian cancer; Hereditary breast and ovarian cancer syndrome. Identifiers: Orphanet 145, MedGen C0677776, MeSH D061325, MONDO:0003582. Disease mechanism: loss of function.
Familial cancer of breast. Also called: Hereditary breast cancer; hereditary breast carcinoma; BREAST CANCER, FAMILIAL. Identifiers: Orphanet 227535, MedGen C0346153, MONDO:0016419, OMIM 114480. Disease mechanism: loss of function.

Allele frequency attached by ClinVar (database versions not stated): gnomAD exomes below 0.00001.
gnomAD v4.1: 3 of 1,614,088 alleles (0.00019%); highest among the groups gnomAD compares: Non-Finnish European, 0.00025%; no homozygotes.

Submissions (5):

Genomics and Molecular Medicine Service, East Genomic Laboratory Hub, NHS Genomic Medicine Service
Classification: Likely benign for Inherited ovarian cancer (without breast cancer). Last evaluated: 2026-04-16. Review status: criteria provided, single submitter. Criteria: ACGS Best Practice Guidelines for Variant Classification in Rare Disease 2020. Collection method: clinical testing. Allele origin: germline. Affected: yes.
Comment: BP1_Strong,BP4

Labcorp Genetics (formerly Invitae), Labcorp
Classification: Uncertain significance for Hereditary breast ovarian cancer syndrome. Last evaluated: 2025-08-15. Review status: criteria provided, single submitter. Criteria: Invitae Variant Classification Sherloc (09022015). Collection method: clinical testing. Allele origin: germline.
Comment: This sequence change replaces glycine, which is neutral and non-polar, with aspartic acid, which is acidic and polar, at codon 1174 of the BRCA2 protein (p.Gly1174Asp). This variant is not present in population databases (gnomAD no frequency). This variant has not been reported in the literature in individuals affected with BRCA2-related conditions. ClinVar contains an entry for this variant (Variation ID: 479317). Invitae Evidence Modeling of protein sequence and biophysical properties (such as structural, functional, and spatial information, amino acid conservation, physicochemical variation, residue mobility, and thermodynamic stability) indicates that this missense variant is not expected to disrupt BRCA2 protein function with a negative predictive value of 95%. In summary, the available evidence is currently insufficient to determine the role of this variant in disease. Therefore, it has been classified as a Variant of Uncertain Significance.

MGZ Medical Genetics Center
Classification: Likely benign for Familial cancer of breast. Last evaluated: 2024-02-09. Review status: criteria provided, single submitter. Criteria: CSpec BRCA1/2ACMG Rules Specifications V1.1.0. Collection method: clinical testing. Allele origin: germline. Affected: yes.
Comment: ACMG codes applied following ENIGMA VCEP rules: BP1_STR, PM2_SUP

Ambry Genetics
Classification: Uncertain significance for Hereditary cancer-predisposing syndrome. Last evaluated: 2023-03-31. Review status: criteria provided, single submitter. Criteria: Ambry Variant Classification Scheme 2023. Collection method: clinical testing. Allele origin: germline.
Comment: The p.G1174D variant (also known as c.3521G>A), located in coding exon 10 of the BRCA2 gene, results from a G to A substitution at nucleotide position 3521. The glycine at codon 1174 is replaced by aspartic acid, an amino acid with similar properties. This variant was not reported in population based cohorts in the following databases: Database of Single Nucleotide Polymorphisms (dbSNP), NHLBI Exome Sequencing Project (ESP), and 1000 Genomes Project. In the ESP, this variant was not observed in 6503 samples (13006 alleles) with coverage at this position. To date, this alteration has been detected with an allele frequency of approximately 0.0004% (greater than 225000 alleles tested) in our clinical cohort. This amino acid position is poorly conserved in available vertebrate species. In addition, this alteration is predicted to be tolerated by in silico analysis. Since supporting evidence is limited at this time, the clinical significance of this alteration remains unclear.

University of Washington Department of Laboratory Medicine, University of Washington
Classification: Likely benign for Hereditary cancer-predisposing syndrome. Last evaluated: 2023-03-23. Review status: criteria provided, single submitter. Criteria: Dines et al. (Genet Med. 2020). Collection method: curation. Allele origin: germline.
Comment: Missense variant in a coldspot region where missense variants are very unlikely to be pathogenic (PMID:31911673).

BRCA2 exon 11 coldspot. Reclassification based on statistical prior probability.